The following is an entry in ClinVar:

NM_002439.5(MSH3):c.1837A>T (p.Asn613Tyr)

Gene: MSH3 (mutS homolog 3; plus strand). Cytogenetic location: 5q14.1.
Variant type: single nucleotide variant.
Coding change: c.1837A>T on transcript NM_002439.5 (MANE Select); coding-DNA position 1837, A replaced by T.
Protein change: p.Asn613Tyr; replaces asparagine 613 with tyrosine.
Molecular consequence: missense variant.
Genome position (GRCh38, 1-based): chr5:80,761,619, A>T. VCF-style: chr5-80761619-A-T. GRCh37 (hg19) VCF-style: chr5-80057438-A-T.
Other names: c.1837A>T (NM_002439.3); short protein forms N613Y.
Identifiers: ClinVar variation 1995046 (VCV001995046.5), dbSNP rs1744035521, ClinGen allele CA360276620.
Genomic context (GRCh38, chr5:80,761,619, plus strand): 5'-CGGCTTGATGCTGTATCGGAAGTTCTCCATTCAGAATCTAGTGTGTTTGGTCAGATAGAA[A>T]ATCATCTACGTAAATTGCCCGACATAGAGAGGGGACTCTGTAGCATTTATCACAAAAAAG-3'
Protein context (NP_002430.3, residues 603-623): SESSVFGQIE[Asn613Tyr]HLRKLPDIER

ClinVar aggregate classification (germline): Uncertain significance. Review status: criteria provided, multiple submitters, no conflicts (2 of 4 stars). 2 submissions from 2 submitters: Uncertain significance (2). Last evaluated 2026-07-08.

Conditions:
Hereditary cancer-predisposing syndrome. Also called: Hereditary neoplastic syndrome; Neoplastic Syndromes, Hereditary; Tumor predisposition; Hereditary Cancer Syndrome. Identifiers: Orphanet 140162, MedGen C0027672, MeSH D009386, MONDO:0015356.

Allele frequency attached by ClinVar (database versions not stated): TOPMed 0.00001.

Submissions (2):

Ambry Genetics
Classification: Uncertain significance for Hereditary cancer-predisposing syndrome. Last evaluated: 2026-07-08. Review status: criteria provided, single submitter. Criteria: Ambry Variant Classification Scheme 2023. Collection method: clinical testing. Allele origin: germline.
Comment: The p.N613Y variant (also known as c.1837A>T), located in coding exon 13 of the MSH3 gene, results from an A to T substitution at nucleotide position 1837. The asparagine at codon 613 is replaced by tyrosine, an amino acid with dissimilar properties. This amino acid position is conserved. In addition, the in silico prediction for this alteration is inconclusive. Based on the available evidence, the clinical significance of this variant remains unclear.

Labcorp Genetics (formerly Invitae), Labcorp
Classification: Uncertain significance. Last evaluated: 2022-05-16. Review status: criteria provided, single submitter. Criteria: Invitae Variant Classification Sherloc (09022015). Collection method: clinical testing. Allele origin: germline.
Comment: In summary, the available evidence is currently insufficient to determine the role of this variant in disease. Therefore, it has been classified as a Variant of Uncertain Significance. Algorithms developed to predict the effect of missense changes on protein structure and function are either unavailable or do not agree on the potential impact of this missense change (SIFT: "Deleterious"; PolyPhen-2: "Possibly Damaging"; Align-GVGD: "Class C0"). This variant has not been reported in the literature in individuals affected with MSH3-related conditions. This variant is not present in population databases (gnomAD no frequency). This sequence change replaces asparagine, which is neutral and polar, with tyrosine, which is neutral and polar, at codon 613 of the MSH3 protein (p.Asn613Tyr).